The following is an entry in ClinVar:

NM_015335.5(MED13L):c.5350C>T (p.Leu1784Phe)

Gene: MED13L (mediator complex subunit 13L; minus strand). Cytogenetic location: 12q24.21.
Variant type: single nucleotide variant.
Coding change: c.5350C>T on transcript NM_015335.5 (MANE Select); coding-DNA position 5350, C replaced by T.
Protein change: p.Leu1784Phe; replaces leucine 1784 with phenylalanine.
Molecular consequence: missense variant.
Genome position (GRCh38, 1-based): chr12:115,980,764, G>A on the plus strand (C>T on the coding strand, the complement: MED13L is on the minus strand). VCF-style: chr12-115980764-G-A. GRCh37 (hg19) VCF-style: chr12-116418569-G-A.
Other names: short protein forms L1784F.
Identifiers: ClinVar variation 1691549 (VCV001691549.3), dbSNP rs948548287, ClinGen allele CA244140000.

ClinVar aggregate classification (germline): Uncertain significance (1 of 4 stars; one submission).

Allele frequency attached by ClinVar (database versions not stated): gnomAD exomes below 0.00001; TOPMed 0.00001.
gnomAD v4.1: 1 of 1,614,070 alleles (0.000062%); highest among the groups gnomAD compares: Non-Finnish European, 0.000085%; no homozygotes.

Submission:

Centre of Medical Genetics, University Hospital Muenster
Classification: Uncertain significance. Last evaluated: 2022-04-27. Review status: criteria provided, single submitter. Criteria: ACMG Guidelines, 2015. Collection method: clinical testing. Allele origin: unknown. Affected: yes. Observed: 1 variant allele, 1 heterozygote.
Comment: ACMG categories: PM2,PP3,BP1